The following is an entry in ClinVar:

NM_005477.3(HCN4):c.2471G>A (p.Arg824Lys)

Gene: HCN4 (hyperpolarization activated cyclic nucleotide gated potassium channel 4; minus strand). Cytogenetic location: 15q24.1.
Variant type: single nucleotide variant.
Coding change: c.2471G>A on transcript NM_005477.3 (MANE Select); coding-DNA position 2471, G replaced by A.
Protein change: p.Arg824Lys; replaces arginine 824 with lysine.
Molecular consequence: missense variant.
Genome position (GRCh38, 1-based): chr15:73,323,622, C>T on the plus strand (G>A on the coding strand, the complement: HCN4 is on the minus strand). VCF-style: chr15-73323622-C-T. GRCh37 (hg19) VCF-style: chr15-73615963-C-T.
Other names: short protein forms R824K.
Identifiers: ClinVar variation 1401843 (VCV001401843.8), dbSNP rs2151214699, ClinGen allele CA393088833.

ClinVar aggregate classification (germline): Uncertain significance (1 of 4 stars; one submission).

Conditions:
Brugada syndrome 8 (BRGDA8). Identifiers: Orphanet 130, MedGen C2751083, MONDO:0013148, OMIM 613123.

Submission:

Labcorp Genetics (formerly Invitae), Labcorp
Classification: Uncertain significance for Brugada syndrome 8. Last evaluated: 2022-07-19. Review status: criteria provided, single submitter. Criteria: Invitae Variant Classification Sherloc (09022015). Collection method: clinical testing. Allele origin: germline.
Comment: This sequence change replaces arginine, which is basic and polar, with lysine, which is basic and polar, at codon 824 of the HCN4 protein (p.Arg824Lys). In summary, the available evidence is currently insufficient to determine the role of this variant in disease. Therefore, it has been classified as a Variant of Uncertain Significance. Advanced modeling of protein sequence and biophysical properties (such as structural, functional, and spatial information, amino acid conservation, physicochemical variation, residue mobility, and thermodynamic stability) performed at Invitae indicates that this missense variant is not expected to disrupt HCN4 protein function. ClinVar contains an entry for this variant (Variation ID: 1401843). This variant has not been reported in the literature in individuals affected with HCN4-related conditions. This variant is not present in population databases (gnomAD no frequency).